The following is an entry in ClinVar:

NM_006767.4(LZTR1):c.820C>T (p.Leu274Phe)

Gene: LZTR1 (leucine zipper like post translational regulator 1; plus strand). Cytogenetic location: 22q11.21.
Variant type: single nucleotide variant.
Coding change: c.820C>T on transcript NM_006767.4 (MANE Select); coding-DNA position 820, C replaced by T.
Protein change: p.Leu274Phe; replaces leucine 274 with phenylalanine.
Molecular consequence: missense variant.
Genome position (GRCh38, 1-based): chr22:20,991,656, C>T. VCF-style: chr22-20991656-C-T. GRCh37 (hg19) VCF-style: chr22-21345945-C-T.
Other names: short protein forms L274F.
Identifiers: ClinVar variation 1471977 (VCV001471977.13), dbSNP rs1200675291, ClinGen allele CA410781153.

ClinVar aggregate classification (germline): Uncertain significance. Review status: criteria provided, multiple submitters, no conflicts (2 of 4 stars). 3 submissions from 3 submitters: Uncertain significance (3). Last evaluated 2026-01-14.

Conditions:
Cardiovascular phenotype. Identifiers: MedGen CN230736.
Hereditary cancer-predisposing syndrome. Also called: Neoplastic Syndromes, Hereditary; Hereditary Cancer Syndrome; Tumor predisposition; Hereditary neoplastic syndrome. Identifiers: Orphanet 140162, MedGen C0027672, MeSH D009386, MONDO:0015356.

Allele frequency attached by ClinVar (database versions not stated): TOPMed below 0.00001; gnomAD 0.00001; gnomAD exomes 0.00001.
gnomAD v4.1: 13 of 1,601,314 alleles (0.00081%); highest among the groups gnomAD compares: Non-Finnish European, 0.001%; no homozygotes.

Submissions (3):

Labcorp Genetics (formerly Invitae), Labcorp
Classification: Uncertain significance. Last evaluated: 2026-01-14. Review status: criteria provided, single submitter. Criteria: Invitae Variant Classification Sherloc (09022015). Collection method: clinical testing. Allele origin: germline.
Comment: This sequence change replaces leucine, which is neutral and non-polar, with phenylalanine, which is neutral and non-polar, at codon 274 of the LZTR1 protein (p.Leu274Phe). This variant is not present in population databases (gnomAD no frequency). This variant has not been reported in the literature in individuals affected with LZTR1-related conditions. ClinVar contains an entry for this variant (Variation ID: 1471977). Invitae Evidence Modeling of protein sequence and biophysical properties (such as structural, functional, and spatial information, amino acid conservation, physicochemical variation, residue mobility, and thermodynamic stability) indicates that this missense variant is not expected to disrupt LZTR1 protein function with a negative predictive value of 80%. In summary, the available evidence is currently insufficient to determine the role of this variant in disease. Therefore, it has been classified as a Variant of Uncertain Significance.

Ambry Genetics
Classification: Uncertain significance for Cardiovascular phenotype; Hereditary cancer-predisposing syndrome. Last evaluated: 2025-10-30. Review status: criteria provided, single submitter. Criteria: Ambry Variant Classification Scheme 2023. Collection method: clinical testing. Allele origin: germline.
Comment: The p.L274F variant (also known as c.820C>T), located in coding exon 9 of the LZTR1 gene, results from a C to T substitution at nucleotide position 820. The leucine at codon 274 is replaced by phenylalanine, an amino acid with highly similar properties. This amino acid position is highly conserved in available vertebrate species. In addition, this alteration is predicted to be tolerated by in silico analysis. Based on the available evidence, the clinical significance of this variant remains unclear.

GeneDx
Classification: Uncertain significance. Last evaluated: 2023-03-27. Review status: criteria provided, single submitter. Criteria: GeneDx Variant Classification Process June 2021. Collection method: clinical testing. Allele origin: germline. Affected: yes.
Comment: Not observed at significant frequency in large population cohorts (gnomAD); In silico analysis supports that this missense variant has a deleterious effect on protein structure/function; Has not been previously published as pathogenic or benign to our knowledge